The following is an entry in ClinVar:

ClinVar aggregate classification (germline): Likely pathogenic. Review status: criteria provided, multiple submitters, no conflicts (2 of 4 stars). 3 submissions from 3 submitters: Likely pathogenic (3). Last evaluated 2023-03-27.

Conditions:
Autosomal recessive nonsyndromic hearing loss 4 (DFNB4). Also called: Nonsyndromic enlarged vestibular aqueduct (NSEVA); DEAFNESS, AUTOSOMAL RECESSIVE 4, WITH ENLARGED VESTIBULAR AQUEDUCT, DIGENIC; Deafness, autosomal recessive 4, with enlarged vestibular aqueduct; NEUROSENSORY NONSYNDROMIC RECESSIVE DEAFNESS 4; FOXI1-Related Pendred Syndrome; KCNJ10-Related Pendred Syndrome. Identifiers: Orphanet 90636, MedGen C3538946, MONDO:0010933, OMIM 600791.
Pendred syndrome (PDS). Also called: DEAFNESS WITH GOITER; THYROID DYSHORMONOGENESIS 2B; THYROID HORMONOGENESIS, GENETIC DEFECT IN, 2B; Pendred's syndrome; GOITER-DEAFNESS SYNDROME; HYPOTHYROIDISM, CONGENITAL, DUE TO DYSHORMONOGENESIS, 2B. Identifiers: Orphanet 705, MedGen C0271829, MONDO:0010134, OMIM 274600.

Submissions (3):

Labcorp Genetics (formerly Invitae), Labcorp
Classification: Likely pathogenic. Last evaluated: 2023-03-27. Review status: criteria provided, single submitter. Criteria: Invitae Variant Classification Sherloc (09022015). Collection method: clinical testing. Allele origin: germline.
Comment: In summary, the currently available evidence indicates that the variant is pathogenic, but additional data are needed to prove that conclusively. Therefore, this variant has been classified as Likely Pathogenic. Algorithms developed to predict the effect of sequence changes on RNA splicing suggest that this variant may disrupt the consensus splice site. ClinVar contains an entry for this variant (Variation ID: 641953). Disruption of this splice site has been observed in individual(s) with sensorineural deafness and enlarged vestibular aqueduct (PMID: 28964290). This variant is not present in population databases (gnomAD no frequency). This sequence change affects an acceptor splice site in intron 15 of the SLC26A4 gene. It is expected to disrupt RNA splicing. Variants that disrupt the donor or acceptor splice site typically lead to a loss of protein function (PMID: 16199547), and loss-of-function variants in SLC26A4 are known to be pathogenic (PMID: 16283880, 25394566, 26252218, 26445815).

Baylor Genetics
Classification: Likely pathogenic for Autosomal recessive nonsyndromic hearing loss 4. Last evaluated: 2023-01-12. Review status: criteria provided, single submitter. Criteria: ACMG Guidelines, 2015. Collection method: clinical testing. Allele origin: unknown.

Fulgent Genetics
Classification: Likely pathogenic for Pendred syndrome; Autosomal recessive nonsyndromic hearing loss 4. Last evaluated: 2021-12-22. Review status: criteria provided, single submitter. Criteria: ACMG Guidelines, 2015. Collection method: clinical testing. Allele origin: unknown.

Literature cited by the submitters: PubMed 28964290 (cited by Labcorp Genetics (formerly Invitae), Labcorp); PubMed 16199547 (cited by Labcorp Genetics (formerly Invitae), Labcorp); PubMed 16283880 (cited by Labcorp Genetics (formerly Invitae), Labcorp); PubMed 25394566 (cited by Labcorp Genetics (formerly Invitae), Labcorp); PubMed 26252218 (cited by Labcorp Genetics (formerly Invitae), Labcorp); PubMed 26445815 (cited by Labcorp Genetics (formerly Invitae), Labcorp).

NM_000441.2(SLC26A4):c.1708-1G>T

Gene: SLC26A4 (solute carrier family 26 member 4; plus strand). Cytogenetic location: 7q22.3.
Variant type: single nucleotide variant.
Coding change: c.1708-1G>T on transcript NM_000441.2 (MANE Select); the canonical splice acceptor site of the intron before coding-DNA position 1708, G replaced by T.
Molecular consequence: splice acceptor variant.
Genome position (GRCh38, 1-based): chr7:107,701,100, G>T. VCF-style: chr7-107701100-G-T. GRCh37 (hg19) VCF-style: chr7-107341545-G-T.
Identifiers: ClinVar variation 641953 (VCV000641953.9), dbSNP rs759414956, ClinGen allele CA368842815.
Genomic context (GRCh38, chr7:107,701,100, plus strand): 5'-GTTGCCATTAATAAGCTTTAGGTGCCAGGCATTTTAAGTAACTTGACATTTATTTCCAAA[G>T]GTTGGATTTGATGCCATTAGAGTATATAATAAGAGGCTGAAAGCGCTGAGGAAAATACAG-3'